The following is an entry in ClinVar:

ClinVar aggregate classification (germline): Uncertain significance (1 of 4 stars; one submission).

Conditions:
Short-rib thoracic dysplasia 10 with or without polydactyly (SRTD10). Identifiers: Orphanet 474, MedGen C3810175, MONDO:0014284, OMIM 615630.
Retinitis pigmentosa 71 (RP71). Identifiers: Orphanet 791, MedGen C4225342, MONDO:0014618, OMIM 616394.

Submission:

Labcorp Genetics (formerly Invitae), Labcorp
Classification: Uncertain significance for Retinitis pigmentosa 71; Short-rib thoracic dysplasia 10 with or without polydactyly. Last evaluated: 2022-04-04. Review status: criteria provided, single submitter. Criteria: Invitae Variant Classification Sherloc (09022015). Collection method: clinical testing. Allele origin: germline.
Comment: In summary, the available evidence is currently insufficient to determine the role of this variant in disease. Therefore, it has been classified as a Variant of Uncertain Significance. Experimental studies and prediction algorithms are not available or were not evaluated, and the functional significance of this variant is currently unknown. This variant has not been reported in the literature in individuals affected with IFT172-related conditions. This variant is a gross deletion of the genomic region encompassing exon(s) 18 of the IFT172 gene. This variant would be expected to be in-frame, preserving the integrity of the reading frame.

NC_000002.11:g.(?_27688258)_(27688405_?)del

Gene: IFT172 (intraflagellar transport 172; minus strand). Cytogenetic location: 2p23.3.
Variant type: Deletion.
Identifiers: ClinVar variation 2426207 (VCV002426207.4).